The following is an entry in ClinVar:

NM_001351132.2(PEX5):c.404A>T (p.Tyr135Phe)

Gene: PEX5 (peroxisomal biogenesis factor 5; plus strand). Cytogenetic location: 12p13.31.
Variant type: single nucleotide variant.
Coding change: c.404A>T on transcript NM_001351132.2 (MANE Select); coding-DNA position 404, A replaced by T.
Protein change: p.Tyr135Phe; replaces tyrosine 135 with phenylalanine.
Molecular consequence: missense variant.
Genome position (GRCh38, 1-based): chr12:7,191,656, A>T. VCF-style: chr12-7191656-A-T. GRCh37 (hg19) VCF-style: chr12-7344252-A-T.
Other names: c.404A>T, p.Tyr135Phe (NM_000319.5, NM_001131024.2, NM_001131025.2 and 19 more transcripts); c.449A>T, p.Tyr150Phe (NM_001131023.2, NM_001351135.3, NM_001351138.2); short protein forms Y135F, Y150F.
Identifiers: ClinVar variation 957477 (VCV000957477.9), dbSNP rs1385787688, ClinGen allele CA383712615.

ClinVar aggregate classification (germline): Uncertain significance (1 of 4 stars; one submission).

Conditions:
Peroxisome biogenesis disorder 2B (PBD2B). Identifiers: Orphanet 44, MedGen C3550234, MONDO:0008736, OMIM 202370.

Allele frequency attached by ClinVar (database versions not stated): gnomAD exomes below 0.00001.
gnomAD v4.1: 2 of 1,613,786 alleles (0.00012%); highest among the groups gnomAD compares: Admixed American, 0.0033%; no homozygotes.

Submission:

Labcorp Genetics (formerly Invitae), Labcorp
Classification: Uncertain significance for Peroxisome biogenesis disorder 2B. Last evaluated: 2020-02-29. Review status: criteria provided, single submitter. Criteria: Invitae Variant Classification Sherloc (09022015). Collection method: clinical testing. Allele origin: germline.
Comment: In summary, the available evidence is currently insufficient to determine the role of this variant in disease. Therefore, it has been classified as a Variant of Uncertain Significance. Algorithms developed to predict the effect of missense changes on protein structure and function (SIFT, PolyPhen-2, Align-GVGD) all suggest that this variant is likely to be tolerated, but these predictions have not been confirmed by published functional studies and their clinical significance is uncertain. This variant has not been reported in the literature in individuals with PEX5-related conditions. This variant is not present in population databases (ExAC no frequency). This sequence change replaces tyrosine with phenylalanine at codon 135 of the PEX5 protein (p.Tyr135Phe). The tyrosine residue is weakly conserved and there is a small physicochemical difference between tyrosine and phenylalanine.